The following is an entry in ClinVar:

NM_005461.5(MAFB):c.394C>T (p.His132Tyr)

Gene: MAFB (MAF bZIP transcription factor B; minus strand). Cytogenetic location: 20q12.
Variant type: single nucleotide variant.
Coding change: c.394C>T on transcript NM_005461.5 (MANE Select); coding-DNA position 394, C replaced by T.
Protein change: p.His132Tyr; replaces histidine 132 with tyrosine.
Molecular consequence: missense variant.
Genome position (GRCh38, 1-based): chr20:40,688,457, G>A on the plus strand (C>T on the coding strand, the complement: MAFB is on the minus strand). VCF-style: chr20-40688457-G-A. GRCh37 (hg19) VCF-style: chr20-39317097-G-A.
Other names: short protein forms H132Y.
Identifiers: ClinVar variation 2095480 (VCV002095480.4), dbSNP rs1326089909, ClinGen allele CA408941255.

ClinVar aggregate classification (germline): Uncertain significance (1 of 4 stars; one submission).

Allele frequency attached by ClinVar (database versions not stated): TOPMed below 0.00001; gnomAD 0.00001.

Submission:

Labcorp Genetics (formerly Invitae), Labcorp
Classification: Uncertain significance. Last evaluated: 2022-02-09. Review status: criteria provided, single submitter. Criteria: Invitae Variant Classification Sherloc (09022015). Collection method: clinical testing. Allele origin: germline.
Comment: This variant has not been reported in the literature in individuals affected with MAFB-related conditions. In summary, the available evidence is currently insufficient to determine the role of this variant in disease. Therefore, it has been classified as a Variant of Uncertain Significance. Algorithms developed to predict the effect of missense changes on protein structure and function are either unavailable or do not agree on the potential impact of this missense change (SIFT: "Tolerated"; PolyPhen-2: "Possibly Damaging"; Align-GVGD: "Class C0"). This variant is not present in population databases (gnomAD no frequency). This sequence change replaces histidine, which is basic and polar, with tyrosine, which is neutral and polar, at codon 132 of the MAFB protein (p.His132Tyr).